The following is an entry in ClinVar:

ClinVar aggregate classification (germline): Uncertain significance (1 of 4 stars; one submission).

Conditions:
Hereditary cancer-predisposing syndrome. Also called: Tumor predisposition; Hereditary Cancer Syndrome; Hereditary neoplastic syndrome; Neoplastic Syndromes, Hereditary. Identifiers: Orphanet 140162, MedGen C0027672, MeSH D009386, MONDO:0015356.

Submission:

Ambry Genetics
Classification: Uncertain significance for Hereditary cancer-predisposing syndrome. Last evaluated: 2025-11-18. Review status: criteria provided, single submitter. Criteria: Ambry Variant Classification Scheme 2023. Collection method: clinical testing. Allele origin: germline.
Comment: The p.Q66L variant (also known as c.197A>T), located in coding exon 1 of the SMARCA4 gene, results from an A to T substitution at nucleotide position 197. The glutamine at codon 66 is replaced by leucine, an amino acid with dissimilar properties. This amino acid position is conserved. In addition, the in silico prediction for this alteration is inconclusive. Based on the available evidence, the clinical significance of this variant remains unclear.

NM_003072.5(SMARCA4):c.197A>T (p.Gln66Leu)

Gene: SMARCA4 (SWI/SNF related BAF chromatin remodeling complex subunit ATPase 4; plus strand). Cytogenetic location: 19p13.2.
Variant type: single nucleotide variant.
Coding change: c.197A>T on transcript NM_003072.5 (MANE Select); coding-DNA position 197, A replaced by T.
Protein change: p.Gln66Leu; replaces glutamine 66 with leucine.
Molecular consequence: missense variant. On other transcripts: non-coding transcript variant (1).
Genome position (GRCh38, 1-based): chr19:10,984,348, A>T. VCF-style: chr19-10984348-A-T. GRCh37 (hg19) VCF-style: chr19-11095024-A-T.
Other names: c.197A>T, p.Gln66Leu (NM_001128844.3, NM_001128845.2, NM_001128846.2 and 6 more transcripts); short protein forms Q66L.
Identifiers: ClinVar variation 4549754 (VCV004549754.1).